The following is an entry in ClinVar:

ClinVar aggregate classification (germline): Uncertain significance. Review status: criteria provided, multiple submitters, no conflicts (2 of 4 stars). 2 submissions from 2 submitters: Uncertain significance (2). Last evaluated 2022-03-09.

Conditions:
Lysinuric protein intolerance (LPI). Identifiers: Orphanet 470, MedGen C0268647, MONDO:0009109, OMIM 222700.

Allele frequency attached by ClinVar (database versions not stated): gnomAD exomes below 0.00001.

Submissions (2):

Fulgent Genetics
Classification: Uncertain significance for Lysinuric protein intolerance. Last evaluated: 2022-03-09. Review status: criteria provided, single submitter. Criteria: ACMG Guidelines, 2015. Collection method: clinical testing. Allele origin: unknown.

Labcorp Genetics (formerly Invitae), Labcorp
Classification: Uncertain significance for Lysinuric protein intolerance. Last evaluated: 2021-11-10. Review status: criteria provided, single submitter. Criteria: Invitae Variant Classification Sherloc (09022015). Collection method: clinical testing. Allele origin: germline.
Comment: This sequence change replaces aspartic acid, which is acidic and polar, with glycine, which is neutral and non-polar, at codon 185 of the SLC7A7 protein (p.Asp185Gly). This variant is not present in population databases (gnomAD no frequency). This variant has not been reported in the literature in individuals affected with SLC7A7-related conditions. Algorithms developed to predict the effect of missense changes on protein structure and function are either unavailable or do not agree on the potential impact of this missense change (SIFT: "Tolerated"; PolyPhen-2: "Possibly Damaging"; Align-GVGD: "Class C35"). Algorithms developed to predict the effect of sequence changes on RNA splicing suggest that this variant may create or strengthen a splice site. In summary, the available evidence is currently insufficient to determine the role of this variant in disease. Therefore, it has been classified as a Variant of Uncertain Significance.

NM_003982.4(SLC7A7):c.554A>G (p.Asp185Gly)

Gene: SLC7A7 (solute carrier family 7 member 7; minus strand). Cytogenetic location: 14q11.2.
Variant type: single nucleotide variant.
Coding change: c.554A>G on transcript NM_003982.4 (MANE Select); coding-DNA position 554, A replaced by G.
Protein change: p.Asp185Gly; replaces aspartic acid 185 with glycine.
Molecular consequence: missense variant.
Genome position (GRCh38, 1-based): chr14:22,779,997, T>C on the plus strand (A>G on the coding strand, the complement: SLC7A7 is on the minus strand). VCF-style: chr14-22779997-T-C. GRCh37 (hg19) VCF-style: chr14-23249206-T-C.
Other names: c.554A>G, p.Asp185Gly (NM_001126105.3, NM_001126106.4); short protein forms D185G.
Identifiers: ClinVar variation 1416692 (VCV001416692.4), dbSNP rs2139397401, ClinGen allele CA388924335.
Genomic context (GRCh38, chr14:22,779,997, plus strand): 5'-CTAACAATGCCTGCAACGATGACCGCGATCAGTGCCAATACTTTAGCATAGGTGAAAATA[T>C]CTTGTACCAGGGTTCCCCATTTGACATAGGCACAGTTAATGAAGGTTAAGAGACCTGAAA-3'
Protein context (NP_003973.3, residues 175-195): AYVKWGTLVQ[Asp185Gly]IFTYAKVLAL